The following is an entry in ClinVar:

ClinVar aggregate classification (germline): Benign/Likely benign. Review status: criteria provided, multiple submitters, no conflicts (2 of 4 stars). 3 submissions from 3 submitters: Benign (1); Likely benign (1). 1 of the submissions does not count toward it. Last evaluated 2025-08-17.

Conditions:
DYRK1B-related disorder. Also called: DYRK1B-related condition.

Allele frequency attached by ClinVar (database versions not stated): 1000 Genomes Project 30x 0.00016; 1000 Genomes Project 0.00020; ESP Exome Variant Server 0.00031; TOPMed 0.00037; gnomAD 0.00044 and 0.00047; gnomAD exomes 0.00046 and 0.00068; ExAC 0.00047.
gnomAD v4.1: 970 of 1,525,112 alleles (0.064%); highest among the groups gnomAD compares: Non-Finnish European, 0.072%; 1 homozygote.

Submissions (3):

Labcorp Genetics (formerly Invitae), Labcorp
Classification: Benign. Last evaluated: 2025-08-17. Review status: criteria provided, single submitter. Criteria: Invitae Variant Classification Sherloc (09022015). Collection method: clinical testing. Allele origin: germline.

Blueprint Genetics
Classification: Likely benign. Last evaluated: 2024-10-02. Review status: criteria provided, single submitter. Criteria: ACMG Guidelines, 2015. Collection method: clinical testing. Allele origin: germline.

PreventionGenetics, part of Exact Sciences
Classification: Likely benign for DYRK1B-related condition. Last evaluated: 2021-09-08. Review status: no assertion criteria provided. Collection method: clinical testing. Allele origin: germline. Not counted in ClinVar's aggregate classification.
Comment: This variant is classified as likely benign based on ACMG/AMP sequence variant interpretation guidelines (Richards et al. 2015 PMID: 25741868, with internal and published modifications).

NM_004714.3(DYRK1B):c.1521C>T (p.Val507=)

Gene: DYRK1B (dual specificity tyrosine phosphorylation regulated kinase 1B; minus strand). Cytogenetic location: 19q13.2.
Variant type: single nucleotide variant.
Coding change: c.1521C>T on transcript NM_004714.3 (MANE Select); coding-DNA position 1521, C replaced by T.
Protein change: p.Val507=; no amino-acid change (valine 507 retained).
Molecular consequence: synonymous variant.
Genome position (GRCh38, 1-based): chr19:39,826,084, G>A on the plus strand (C>T on the coding strand, the complement: DYRK1B is on the minus strand). VCF-style: chr19-39826084-G-A. GRCh37 (hg19) VCF-style: chr19-40316724-G-A.
Other names: c.1401C>T, p.Val467= (NM_006483.3); c.1437C>T, p.Val479= (NM_006484.3).
Identifiers: ClinVar variation 773606 (VCV000773606.11), dbSNP rs367812081, ClinGen allele CA9433991.